The following is an entry in ClinVar:

ClinVar aggregate classification (germline): Likely benign. Review status: criteria provided, multiple submitters, no conflicts (2 of 4 stars). 2 submissions from 2 submitters: Likely benign (2). Last evaluated 2026-02-01.

Conditions:
MHC class I deficiency. Identifiers: Orphanet 34592, MedGen C6024714, MONDO:0011476.

Allele frequency attached by ClinVar (database versions not stated): ExAC 0.00024; 1000 Genomes Project 0.00040; 1000 Genomes Project 30x 0.00047; ESP Exome Variant Server 0.00015; TOPMed 0.00015; gnomAD exomes 0.00019 and 0.00023; gnomAD 0.00020 and 0.00021.
gnomAD v4.1: 318 of 1,614,220 alleles (0.02%); highest among the groups gnomAD compares: Middle Eastern, 0.082%; 1 homozygote.

Submissions (2):

Labcorp Genetics (formerly Invitae), Labcorp
Classification: Likely benign for MHC class I deficiency 1. Last evaluated: 2026-02-01. Review status: criteria provided, single submitter. Criteria: Invitae Variant Classification Sherloc (09022015). Collection method: clinical testing. Allele origin: germline.

CeGaT Center for Human Genetics Tuebingen
Classification: Likely benign. Last evaluated: 2025-12-01. Review status: criteria provided, single submitter. Criteria: CeGaT Center For Human Genetics Tuebingen Variant Classification Criteria Version 2. Collection method: clinical testing. Allele origin: germline. Affected: yes. Observed: 1 variant allele.
Comment: TAPBP: BP4, BP7

NM_003190.5(TAPBP):c.768C>T (p.Phe256=)

Gene: TAPBP (TAP binding protein; minus strand). Cytogenetic location: 6p21.32.
Variant type: single nucleotide variant.
Coding change: c.768C>T on transcript NM_003190.5 (MANE Select); coding-DNA position 768, C replaced by T.
Protein change: p.Phe256=; no amino-acid change (phenylalanine 256 retained).
Molecular consequence: synonymous variant.
Genome position (GRCh38, 1-based): chr6:33,305,089, G>A on the plus strand (C>T on the coding strand, the complement: TAPBP is on the minus strand). VCF-style: chr6-33305089-G-A. GRCh37 (hg19) VCF-style: chr6-33272866-G-A.
Other names: c.768C>T, p.Phe256= (NM_172208.3); c.507C>T, p.Phe169= (NM_172209.3).
Identifiers: ClinVar variation 771713 (VCV000771713.16), dbSNP rs145473025, ClinGen allele CA3755809.